The following is an entry in ClinVar:

ClinVar aggregate classification (germline): Pathogenic. Review status: criteria provided, multiple submitters, no conflicts (2 of 4 stars). 3 submissions from 3 submitters: Pathogenic (3). Last evaluated 2025-02-24.

Conditions:
Primary ciliary dyskinesia. Also called: Ciliary dyskinesia. Identifiers: Orphanet 244, MedGen C0008780, MONDO:0016575, HP:0012265.
DNAH5-related disorders.

Allele frequency attached by ClinVar (database versions not stated): gnomAD exomes below 0.00001.
gnomAD v4.1: 10 of 1,613,866 alleles (0.00062%); highest among the groups gnomAD compares: East Asian, 0.0045%; no homozygotes.

Submissions (3):

Natera, Inc.
Classification: Pathogenic for Primary ciliary dyskinesia. Last evaluated: 2025-02-24. Review status: criteria provided, single submitter. Criteria: Natera Variant Classification Schema (03/2026). Collection method: clinical testing. Allele origin: germline.
Comment: The c.232C>T variant in DNAH5 is a nonsense variant predicted to introduce a stop codon at amino acid 78. This variant is expected to result in nonsense mediated decay, truncation, or a dysfunctional protein product. This variant is rare in the general population with a frequency below the threshold expected for the associated phenotype(s). This variant has been observed in one or more individuals affected with the associated recessive disease, as either homozygous or compound heterozygous with a second variant (PMID: 16627867). Given the available evidence, this variant is classified as Pathogenic.

Blueprint Genetics
Classification: Pathogenic for DNAH5-related disorders. Last evaluated: 2024-07-29. Review status: criteria provided, single submitter. Criteria: ACMG Guidelines, 2015. Collection method: clinical testing. Allele origin: germline. Affected: yes. Observed: 2 variant alleles.

Labcorp Genetics (formerly Invitae), Labcorp
Classification: Pathogenic for Primary ciliary dyskinesia. Last evaluated: 2022-02-11. Review status: criteria provided, single submitter. Criteria: Invitae Variant Classification Sherloc (09022015). Collection method: clinical testing. Allele origin: germline.
Comment: For these reasons, this variant has been classified as Pathogenic. This premature translational stop signal has been observed in individual(s) with primary ciliary dyskinesia (PMID: 16627867, 31879361). This variant is present in population databases (no rsID available, gnomAD 0.006%). This sequence change creates a premature translational stop signal (p.Arg78*) in the DNAH5 gene. It is expected to result in an absent or disrupted protein product. Loss-of-function variants in DNAH5 are known to be pathogenic (PMID: 11788826, 16627867).

Literature cited by the submitters: PubMed 16627867 (cited by Natera, Inc. and Labcorp Genetics (formerly Invitae), Labcorp); PubMed 31879361 (cited by Labcorp Genetics (formerly Invitae), Labcorp); PubMed 11788826 (cited by Labcorp Genetics (formerly Invitae), Labcorp).

NM_001369.3(DNAH5):c.232C>T (p.Arg78Ter)

Gene: DNAH5 (dynein axonemal heavy chain 5; minus strand). Cytogenetic location: 5p15.2.
Variant type: single nucleotide variant.
Coding change: c.232C>T on transcript NM_001369.3 (MANE Select); coding-DNA position 232, C replaced by T.
Protein change: p.Arg78Ter; replaces arginine 78 with a stop codon.
Molecular consequence: nonsense.
Genome position (GRCh38, 1-based): chr5:13,928,139, G>A on the plus strand (C>T on the coding strand, the complement: DNAH5 is on the minus strand). VCF-style: chr5-13928139-G-A. GRCh37 (hg19) VCF-style: chr5-13928248-G-A.
Other names: c.232C>T (NM_001369.2); short protein forms R78*.
Identifiers: ClinVar variation 1353292 (VCV001353292.9), dbSNP rs1314223921, ClinGen allele CA359227174.